The following is an entry in ClinVar:

NM_000327.4(ROM1):c.158T>A (p.Leu53Gln)

Gene: ROM1 (retinal outer segment membrane protein 1; plus strand). Cytogenetic location: 11q12.3.
Variant type: single nucleotide variant.
Coding change: c.158T>A on transcript NM_000327.4 (MANE Select); coding-DNA position 158, T replaced by A.
Protein change: p.Leu53Gln; replaces leucine 53 with glutamine.
Molecular consequence: missense variant.
Genome position (GRCh38, 1-based): chr11:62,613,439, T>A. VCF-style: chr11-62613439-T-A. GRCh37 (hg19) VCF-style: chr11-62380911-T-A.
Other names: short protein forms L53Q.
Identifiers: ClinVar variation 2004516 (VCV002004516.4), dbSNP rs1942938848, ClinGen allele CA380968671.
Genomic context (GRCh38, chr11:62,613,439, plus strand): 5'-GCGTCATCCTCCTCTGTAGTGGGCACCTCCTGGTCCAGCTAAGGCACCTTGGCACCTTCC[T>A]GGCTCCCTCCTGTCAGTTCCCTGTCCTGCCCCAGGCTGCCCTGGCAGCGGGCGCGGTGGC-3'
Protein context (NP_000318.2, residues 43-63): LVQLRHLGTF[Leu53Gln]APSCQFPVLP

ClinVar aggregate classification (germline): Uncertain significance (1 of 4 stars; one submission).

Allele frequency attached by ClinVar (database versions not stated): gnomAD 0.00001; gnomAD exomes 0.00001.
gnomAD v4.1: 6 of 1,613,104 alleles (0.00037%); highest among the groups gnomAD compares: Non-Finnish European, 0.00051%; no homozygotes.

Submission:

Labcorp Genetics (formerly Invitae), Labcorp
Classification: Uncertain significance. Last evaluated: 2022-06-10. Review status: criteria provided, single submitter. Criteria: Invitae Variant Classification Sherloc (09022015). Collection method: clinical testing. Allele origin: germline.
Comment: This sequence change replaces leucine, which is neutral and non-polar, with glutamine, which is neutral and polar, at codon 53 of the ROM1 protein (p.Leu53Gln). In summary, the available evidence is currently insufficient to determine the role of this variant in disease. Therefore, it has been classified as a Variant of Uncertain Significance. Algorithms developed to predict the effect of missense changes on protein structure and function are either unavailable or do not agree on the potential impact of this missense change (SIFT: "Deleterious"; PolyPhen-2: "Probably Damaging"; Align-GVGD: "Class C0"). This variant has not been reported in the literature in individuals affected with ROM1-related conditions. This variant is not present in population databases (gnomAD no frequency).